The following is an entry in ClinVar:

ClinVar aggregate classification (germline): Uncertain significance. Review status: criteria provided, multiple submitters, no conflicts (2 of 4 stars). 2 submissions from 2 submitters: Uncertain significance (2). Last evaluated 2020-12-10.

Conditions:
Charcot-Marie-Tooth disease type 4. Also called: Charcot-Marie-Tooth disease, type IV; Charcot-Marie-Tooth, Type 4. Identifiers: Orphanet 64749, MedGen C4082197, MONDO:0018995.

Allele frequency attached by ClinVar (database versions not stated): TOPMed 0.00001; gnomAD exomes below 0.00001; ExAC 0.00001.
gnomAD v4.1: 1 of 1,614,018 alleles (0.000062%); highest among the groups gnomAD compares: Non-Finnish European, 0.000085%; no homozygotes.

Submissions (2):

Labcorp Genetics (formerly Invitae), Labcorp
Classification: Uncertain significance for Charcot-Marie-Tooth disease type 4. Last evaluated: 2020-12-10. Review status: criteria provided, single submitter. Criteria: Invitae Variant Classification Sherloc (09022015). Collection method: clinical testing. Allele origin: germline.
Comment: In summary, the available evidence is currently insufficient to determine the role of this variant in disease. Therefore, it has been classified as a Variant of Uncertain Significance. Algorithms developed to predict the effect of missense changes on protein structure and function are either unavailable or do not agree on the potential impact of this missense change (SIFT: "Deleterious"; PolyPhen-2: "Possibly Damaging"; Align-GVGD: "Class C0"). This variant has not been reported in the literature in individuals with FIG4-related conditions. ClinVar contains an entry for this variant (Variation ID: 373232). This variant is present in population databases (rs746915624, ExAC 0.001%). This sequence change replaces isoleucine with asparagine at codon 880 of the FIG4 protein (p.Ile880Asn). The isoleucine residue is highly conserved and there is a large physicochemical difference between isoleucine and asparagine.

GeneDx
Classification: Uncertain significance. Last evaluated: 2016-11-21. Review status: criteria provided, single submitter. Criteria: GeneDx Variant Classification (06012015). Collection method: clinical testing. Allele origin: germline. Affected: yes.
Comment: The I880N variant in the FIG4 gene has not been reported previously as a pathogenic variant, nor as a benign variant, to our knowledge. This variant was not observed in approximately 6500 individuals of European and African American ancestry in the NHLBI Exome Sequencing Project, indicating it is not a common benign variant in these populations. The I880N variant is a non-conservative amino acid substitution, which is likely to impact secondary protein structure as these residues differ in polarity, charge, size and/or other properties. This substitution occurs at a position that is conserved across species. In silico analysis predicts this variant is probably damaging to the protein structure/function. We interpret I880N as a variant of uncertain significance.

NM_014845.6(FIG4):c.2639T>A (p.Ile880Asn)

Gene: FIG4 (FIG4 phosphoinositide 5-phosphatase; plus strand). Cytogenetic location: 6q21.
Variant type: single nucleotide variant.
Coding change: c.2639T>A on transcript NM_014845.6 (MANE Select); coding-DNA position 2639, T replaced by A.
Protein change: p.Ile880Asn; replaces isoleucine 880 with asparagine.
Molecular consequence: missense variant.
Genome position (GRCh38, 1-based): chr6:109,825,180, T>A. VCF-style: chr6-109825180-T-A. GRCh37 (hg19) VCF-style: chr6-110146383-T-A.
Other names: short protein forms I880N.
Identifiers: ClinVar variation 373232 (VCV000373232.8), dbSNP rs746915624, ClinGen allele CA3956465.